The following is an entry in ClinVar:

NM_001378454.1(ALMS1):c.9146T>A (p.Ile3049Lys)

Gene: ALMS1 (ALMS1 centrosome and basal body associated protein; plus strand). Cytogenetic location: 2p13.1.
Variant type: single nucleotide variant.
Coding change: c.9146T>A on transcript NM_001378454.1 (MANE Select); coding-DNA position 9146, T replaced by A.
Protein change: p.Ile3049Lys; replaces isoleucine 3049 with lysine.
Molecular consequence: missense variant.
Genome position (GRCh38, 1-based): chr2:73,491,105, T>A. VCF-style: chr2-73491105-T-A. GRCh37 (hg19) VCF-style: chr2-73718232-T-A.
Other names: c.9149T>A, p.Ile3050Lys (NM_015120.4); short protein forms I3049K, I3050K.
Identifiers: ClinVar variation 5000225 (VCV005000225.1).

ClinVar aggregate classification (germline): Uncertain significance (1 of 4 stars; one submission).

Conditions:
ALMS1-related disorder. Also called: ALMS1-related condition.

gnomAD v4.1: 1 of 1,614,214 alleles (0.000062%); highest among the groups gnomAD compares: African/African-American, 0.0013%; no homozygotes.

Submission:

PreventionGenetics, part of Exact Sciences
Classification: Uncertain significance for ALMS1-related condition. Last evaluated: 2025-05-14. Review status: criteria provided, single submitter. Criteria: ACMG Guidelines, 2015. Collection method: clinical testing. Allele origin: germline.
Comment: The ALMS1 c.9149T>A variant is predicted to result in the amino acid substitution p.Leu3050His. To our knowledge, this variant has not been reported in the literature or in a large population database (gnomAD), indicating this variant is rare. At this time, the clinical significance of this variant is uncertain due to the absence of conclusive functional and genetic evidence.